The following is an entry in ClinVar:

ClinVar aggregate classification (germline): Uncertain significance (1 of 4 stars; one submission).

Conditions:
NOTCH2-related disorder. Also called: NOTCH2-related condition.

Submission:

PreventionGenetics, part of Exact Sciences
Classification: Uncertain significance for NOTCH2-related condition. Last evaluated: 2026-04-15. Review status: criteria provided, single submitter. Criteria: ACMG Guidelines, 2015. Collection method: clinical testing. Allele origin: germline.
Comment: The NOTCH2 c.2268_2271delinsTGATGAATGCCTTTCG variant is predicted to result in an in-frame deletion and insertion. To our knowledge, this variant has not been reported in the literature or in a large population database (gnomAD), indicating this variant is rare. At this time, the clinical significance of this variant is uncertain due to the absence of conclusive functional and genetic evidence.

NM_024408.4(NOTCH2):c.2268_2271delinsTGATGAATGCCTTTCG (p.Asp757_Lys758insGluCysLeuSer)

Gene: NOTCH2 (notch receptor 2; minus strand). Cytogenetic location: 1p12.
Variant type: Indel.
Coding change: c.2268_2271delinsTGATGAATGCCTTTCG on transcript NM_024408.4 (MANE Select); coding-DNA positions 2268 to 2271, GGAC replaced by TGATGAATGCCTTTCG.
Protein change: p.Asp757_Lys758insGluCysLeuSer.
Molecular consequence: inframe insertion.
Genome position (GRCh38, 1-based): chr1:119,953,637-119,953,640, GTCC replaced by CGAAAGGCATTCATCA on the plus strand (GGAC replaced by TGATGAATGCCTTTCG on the coding strand, the reverse complement: NOTCH2 is on the minus strand). VCF-style: chr1-119953637-GTCC-CGAAAGGCATTCATCA. GRCh37 (hg19) VCF-style: chr1-120496260-GTCC-CGAAAGGCATTCATCA.
Other names: c.2268_2271delinsTGATGAATGCCTTTCG, p.Asp757_Lys758insGluCysLeuSer (NM_001200001.2).
Identifiers: ClinVar variation 4997330 (VCV004997330.1).
Genomic context (GRCh38, chr1:119,953,637, plus strand): 5'-ATTCACCAGATTGTCACAAGTTCCTCCATTCTGGCATGGATTCGAAAGGCATTCATTTTT[GTCC>CGAAAGGCATTCATCA]ACTTCACAGTTGATGCCAACCCAGCCTGCATCACAGAGACACTTATATCTGAAAGAAGAC-3'